The following is an entry in ClinVar:

NM_020975.6(RET):c.1760_1761delinsAA (p.Arg587Gln)

Gene: RET (ret proto-oncogene; plus strand). Cytogenetic location: 10q11.21.
Variant type: Indel.
Coding change: c.1760_1761delinsAA on transcript NM_020975.6 (MANE Select); coding-DNA positions 1760 to 1761, GG replaced by AA.
Protein change: p.Arg587Gln; replaces arginine 587 with glutamine.
Molecular consequence: missense variant.
Genome position (GRCh38, 1-based): chr10:43,113,556-43,113,557, GG replaced by AA. VCF-style: chr10-43113556-GG-AA. GRCh37 (hg19) VCF-style: chr10-43609004-GG-AA.
Other names: c.1364_1365delGGinsAA, p.Arg455Gln (NM_001406772.1, NM_001406769.1); c.1322_1323delGGinsAA, p.Arg441Gln (NM_001406773.1, NM_001406771.1); c.1235_1236delGGinsAA, p.Arg412Gln (NM_001406774.1); c.1034_1035delGGinsAA, p.Arg345Gln (NM_001406775.1, NM_001406776.1, NM_001406777.1 and 1 more transcripts); c.863_864delGGinsAA, p.Arg288Gln (NM_001406779.1, NM_001406780.1, NM_001406781.1 and 2 more transcripts); c.1760_1761delGGinsAA, p.Arg587Gln (NM_000323.2, NM_001406743.1, NM_001406744.1 and 6 more transcripts); c.998_999delGGinsAA, p.Arg333Gln (NM_001355216.2); c.1631_1632delGGinsAA, p.Arg544Gln (NM_001406761.1, NM_001406762.1, NM_001406764.1 and 1 more transcripts); and 5 more; short protein forms R104Q, R288Q, R192Q, R245Q, R257Q, R412Q, R441Q, R455Q.
Identifiers: ClinVar variation 2184504 (VCV002184504.4), dbSNP rs2538480311, ClinGen allele CA2580081704.

ClinVar aggregate classification (germline): Uncertain significance (1 of 4 stars; one submission).

Conditions:
Multiple endocrine neoplasia, type 2 (MEN2). Identifiers: Orphanet 653, MedGen C4048306, MONDO:0019003. Disease mechanism: gain of function.

Submission:

Labcorp Genetics (formerly Invitae), Labcorp
Classification: Uncertain significance for Multiple endocrine neoplasia, type 2. Last evaluated: 2022-09-21. Review status: criteria provided, single submitter. Criteria: Invitae Variant Classification Sherloc (09022015). Collection method: clinical testing. Allele origin: germline.
Comment: This sequence change replaces arginine, which is basic and polar, with glutamine, which is neutral and polar, at codon 587 of the RET protein (p.Arg587Gln). In summary, the available evidence is currently insufficient to determine the role of this variant in disease. Therefore, it has been classified as a Variant of Uncertain Significance. Algorithms developed to predict the effect of missense changes on protein structure and function are either unavailable or do not agree on the potential impact of this missense change (SIFT: "Not Available"; PolyPhen-2: "Benign"; Align-GVGD: "Not Available"). This variant has not been reported in the literature in individuals affected with RET-related conditions. Information on the frequency of this variant in the gnomAD database is not available, as this variant may be reported differently in the database.